The following is an entry in ClinVar:

NM_000540.3(RYR1):c.12639G>A (p.Lys4213=)

Gene: RYR1 (ryanodine receptor 1; plus strand). Cytogenetic location: 19q13.2.
Variant type: single nucleotide variant.
Coding change: c.12639G>A on transcript NM_000540.3 (MANE Select); coding-DNA position 12639, G replaced by A.
Protein change: p.Lys4213=; no amino-acid change (lysine 4213 retained).
Molecular consequence: synonymous variant.
Genome position (GRCh38, 1-based): chr19:38,564,973, G>A. VCF-style: chr19-38564973-G-A. GRCh37 (hg19) VCF-style: chr19-39055613-G-A.
Other names: c.12624G>A, p.Lys4208= (NM_001042723.2).
Identifiers: ClinVar variation 544526 (VCV000544526.11), dbSNP rs778680515, ClinGen allele CA308108980.
Genomic context (GRCh38, chr19:38,564,973, plus strand): 5'-GCCCCCGCTGACGGCGCCCTATCCTGTCTGCCGCCCCTCGCTTCAGGTGAAGGAGTCCAA[G>A]CGCCAGTTCATCTTCGACGTGGTGAACGAGGGCGGCGAGGCTGAGAAGATGGAGCTCTTC-3'
Protein context (NP_000531.2, residues 4203-4223): QWEMPQVKES[Lys4213=]RQFIFDVVNE

ClinVar aggregate classification (germline): Likely benign. Review status: criteria provided, multiple submitters, no conflicts (2 of 4 stars). 2 submissions from 2 submitters: Likely benign (2). Last evaluated 2025-07-01.

Conditions:
RYR1-related disorder. Also called: RYR1-related condition; RYR1-related disorders. Identifiers: MedGen CN239331.
Malignant hyperthermia, susceptibility to, 1 (MHS1). Also called: RYR1-Related Malignant Hyperthermia Susceptibility; Anesthesia related hyperthermia; Malignant hyperpyrexia; Fulminating hyperpyrexia; Pharmacogenic myopathy; Malignant hyperthermia suceptibility 1. Identifiers: Orphanet 423, MedGen C2930980, MONDO:0007783, OMIM 145600.

Allele frequency attached by ClinVar (database versions not stated): TOPMed below 0.00001; gnomAD 0.00001; gnomAD exomes 0.00002.
gnomAD v4.1: 24 of 1,587,432 alleles (0.0015%); highest among the groups gnomAD compares: Non-Finnish European, 0.002%; no homozygotes.

Submissions (2):

Labcorp Genetics (formerly Invitae), Labcorp
Classification: Likely benign for RYR1-related disorder. Last evaluated: 2025-07-01. Review status: criteria provided, single submitter. Criteria: Invitae Variant Classification Sherloc (09022015). Collection method: clinical testing. Allele origin: germline.

All of Us Research Program, National Institutes of Health
Classification: Likely benign for Malignant hyperthermia, susceptibility to, 1. Last evaluated: 2023-11-02. Review status: criteria provided, single submitter. Criteria: ACMG Guidelines, 2015. Collection method: clinical testing. Allele origin: germline. Inheritance: Autosomal dominant inheritance. Observed: 1 variant allele, 1 heterozygote.
Comment: This study involves interpretation of variants in research participants for the purpose of population health screening. Participant phenotype was not available at the time of variant classification. Additional details can be found in publication PMID: 35346344, PMCID: PMC8962531